The following is an entry in ClinVar:

NM_002907.4(RECQL):c.2T>C (p.Met1Thr)

Gene: RECQL (RecQ like helicase; minus strand). Cytogenetic location: 12p12.1.
Variant type: single nucleotide variant.
Coding change: c.2T>C on transcript NM_002907.4 (MANE Select); coding-DNA position 2, T replaced by C.
Protein change: p.Met1Thr; changes the start codon (methionine 1).
Molecular consequence: missense variant, initiator codon variant.
Genome position (GRCh38, 1-based): chr12:21,499,569, A>G on the plus strand (T>C on the coding strand, the complement: RECQL is on the minus strand). VCF-style: chr12-21499569-A-G. GRCh37 (hg19) VCF-style: chr12-21652503-A-G.
Other names: c.2T>C, p.Met1Thr (NM_032941.3); short protein forms M1T.
Identifiers: ClinVar variation 730377 (VCV000730377.28), dbSNP rs146924988, ClinGen allele CA6479241.

ClinVar aggregate classification (germline): Conflicting classifications of pathogenicity. Review status: criteria provided, conflicting classifications (1 of 4 stars). 7 submissions from 7 submitters: Uncertain significance (2); Likely benign (4). 1 of the submissions does not count toward it. Last evaluated 2025-12-20.

Conditions:
Hereditary breast ovarian cancer syndrome. Also called: Hereditary breast and ovarian cancer; Hereditary breast and ovarian cancer syndrome (HBOC); BRCA1- and BRCA2-Associated Hereditary Breast and Ovarian Cancer; Hereditary breast and ovarian cancer syndrome; Breast and ovarian cancer; Hereditary breast and/or ovarian cancer syndrome. Identifiers: Orphanet 145, MedGen C0677776, MeSH D061325, MONDO:0003582. Disease mechanism: loss of function.
RECQL-related disorder. Also called: RECQL-related condition.
RECON progeroid syndrome (RECON). Identifiers: MedGen C5830504, MONDO:0957266, OMIM 620370.

Allele frequency attached by ClinVar (database versions not stated): gnomAD 0.00009 and 0.00016; TOPMed 0.00028; ExAC 0.00040; 1000 Genomes Project 0.00100; 1000 Genomes Project 30x 0.00141.

Submissions (7):

Labcorp Genetics (formerly Invitae), Labcorp
Classification: Likely benign. Last evaluated: 2025-12-20. Review status: criteria provided, single submitter. Criteria: Invitae Variant Classification Sherloc (09022015). Collection method: clinical testing. Allele origin: germline.

GeneDx
Classification: Uncertain significance. Last evaluated: 2024-12-16. Review status: criteria provided, single submitter. Criteria: GeneDx Variant Classification Process June 2021. Collection method: clinical testing. Allele origin: germline. Affected: yes.
Comment: Variants in candidate genes are classified as variants of uncertain significance in accordance with ACMG guidelines (PMID: 25741868); Observed in individuals with breast cancer as well as unaffected controls, and in one family with acute leukemia (PMID: 25945795, 27125668, 33471991, 36998465, 38439896); This variant is associated with the following publications: (PMID: 27125668, 25945795, 28487959, 32566746, 33649982, 33563768, 33471991, 35205332, 36998465, 38439896)

Department of Pathology and Laboratory Medicine, Sinai Health System
Classification: Uncertain significance for RECON progeroid syndrome. Last evaluated: 2023-05-16. Review status: criteria provided, single submitter. Criteria: ACMG Guidelines, 2015. Collection method: clinical testing. Allele origin: germline. Affected: yes.

Quest Diagnostics Nichols Institute San Juan Capistrano
Classification: Likely benign. Last evaluated: 2023-05-09. Review status: criteria provided, single submitter. Criteria: Quest Diagnostics criteria. Collection method: clinical testing. Allele origin: unknown.

Cancer Genomics Group, Japanese Foundation For Cancer Research
Classification: Likely benign for Hereditary breast ovarian cancer syndrome. Last evaluated: 2022-03-30. Review status: criteria provided, single submitter. Criteria: ACMG Guidelines, 2015. Collection method: research. Allele origin: germline. Affected: yes.

Ambry Genetics
Classification: Likely benign. Last evaluated: 2020-10-23. Review status: criteria provided, single submitter. Criteria: Ambry Variant Classification Scheme 2023. Collection method: clinical testing. Allele origin: germline.

PreventionGenetics, part of Exact Sciences
Classification: Likely benign for RECQL-related condition. Last evaluated: 2020-11-10. Review status: no assertion criteria provided. Collection method: clinical testing. Allele origin: germline. Not counted in ClinVar's aggregate classification.
Comment: This variant is classified as likely benign based on ACMG/AMP sequence variant interpretation guidelines (Richards et al. 2015 PMID: 25741868, with internal and published modifications).

Literature cited by the submitters: PubMed 25945795 (cited by 3 submitters); PubMed 31173646 (cited by Department of Pathology and Laboratory Medicine, Sinai Health System); PubMed 27125668 (cited by 3 submitters); PubMed 33563768 (cited by Quest Diagnostics Nichols Institute San Juan Capistrano); PubMed 33471991 (cited by Quest Diagnostics Nichols Institute San Juan Capistrano); PubMed 33649982 (cited by Quest Diagnostics Nichols Institute San Juan Capistrano).